The following is an entry in ClinVar:

NM_000489.6(ATRX):c.2136G>C (p.Lys712Asn)

Gene: ATRX (ATRX chromatin remodeler; minus strand). Cytogenetic location: Xq21.1.
Variant type: single nucleotide variant.
Coding change: c.2136G>C on transcript NM_000489.6 (MANE Select); coding-DNA position 2136, G replaced by C.
Protein change: p.Lys712Asn; replaces lysine 712 with asparagine.
Molecular consequence: missense variant.
Genome position (GRCh38, 1-based): chrX:77,683,120, C>G on the plus strand (G>C on the coding strand, the complement: ATRX is on the minus strand). VCF-style: chrX-77683120-C-G. GRCh37 (hg19) VCF-style: chrX-76938612-C-G.
Other names: c.2022G>C, p.Lys674Asn (NM_138270.5); short protein forms K674N, K712N.
Identifiers: ClinVar variation 1036403 (VCV001036403.11), dbSNP rs2071344638, ClinGen allele CA413713113.

ClinVar aggregate classification (germline): Uncertain significance (1 of 4 stars; one submission).

Conditions:
Alpha thalassemia-X-linked intellectual disability syndrome (ATRX). Also called: ALPHA-THALASSEMIA/MENTAL RETARDATION SYNDROME, X-LINKED; ATR, NONDELETION TYPE; ATR-X syndrome; Alpha thalassemia mental retardation syndrome, nondeletion type, X-linked; XLMR hypotonic face syndrome; X-linked alpha-thalassemia-mental retardation syndrome. Identifiers: Orphanet 847, MedGen C1845055, MONDO:0010519, OMIM 301040.

gnomAD v4.1: 1 of 1,210,894 alleles (0.000083%); highest among the groups gnomAD compares: Non-Finnish European, 0.00011%; no homozygotes.

Submission:

Labcorp Genetics (formerly Invitae), Labcorp
Classification: Uncertain significance for Alpha thalassemia-X-linked intellectual disability syndrome. Last evaluated: 2020-08-06. Review status: criteria provided, single submitter. Criteria: Invitae Variant Classification Sherloc (09022015). Collection method: clinical testing. Allele origin: germline.
Comment: In summary, the available evidence is currently insufficient to determine the role of this variant in disease. Therefore, it has been classified as a Variant of Uncertain Significance. Algorithms developed to predict the effect of missense changes on protein structure and function are either unavailable or do not agree on the potential impact of this missense change (SIFT: "Deleterious"; PolyPhen-2: "Probably Damaging"; Align-GVGD: "Class C0"). This variant has not been reported in the literature in individuals with ATRX-related conditions. This variant is not present in population databases (ExAC no frequency). This sequence change replaces lysine with asparagine at codon 712 of the ATRX protein (p.Lys712Asn). The lysine residue is moderately conserved and there is a moderate physicochemical difference between lysine and asparagine.